The following is an entry in ClinVar:

NM_014989.7(RIMS1):c.3965A>G (p.Tyr1322Cys)

Gene: RIMS1 (regulating synaptic membrane exocytosis 1; plus strand). Cytogenetic location: 6q13.
Variant type: single nucleotide variant.
Coding change: c.3965A>G on transcript NM_014989.7 (MANE Select); coding-DNA position 3965, A replaced by G.
Protein change: p.Tyr1322Cys; replaces tyrosine 1322 with cysteine.
Molecular consequence: missense variant. On other transcripts: intron variant (24).
Genome position (GRCh38, 1-based): chr6:72,313,507, A>G. VCF-style: chr6-72313507-A-G. GRCh37 (hg19) VCF-style: chr6-73023210-A-G.
Other names: c.1925A>G, p.Tyr642Cys (NM_001168407.2); c.1886A>G, p.Tyr629Cys (NM_001350414.2); c.2009A>G, p.Tyr670Cys (NM_001350415.2); c.1958A>G, p.Tyr653Cys (NM_001350416.2); c.1931A>G, p.Tyr644Cys (NM_001350418.2); c.2039A>G, p.Tyr680Cys (NM_001350420.2); c.1784A>G, p.Tyr595Cys (NM_001350421.2); c.1700A>G, p.Tyr567Cys (NM_001350423.2, NM_001350444.2); and 51 more; short protein forms Y1322C, Y486C, Y511C, Y548C, Y561C, Y567C, Y589C, Y602C.
Identifiers: ClinVar variation 2740159 (VCV002740159.4), dbSNP rs1290210710, ClinGen allele CA364690891.
Genomic context (GRCh38, chr6:72,313,507, plus strand): 5'-TCTATGTTTTTTCCATTGTCTAATGATGGAGCTCACACTTTCTTGTTTTTAATCTTTAGT[A>G]TAACATACATAAAGATCAGTACAGAAGCTGTGATAACGTCTCTGCCAAATCATCAGATAG-3'
Protein context (NP_055804.2, residues 1312-1332): QELDREQYSK[Tyr1322Cys]NIHKDQYRSC

ClinVar aggregate classification (germline): Uncertain significance. Review status: criteria provided, multiple submitters, no conflicts (2 of 4 stars). 2 submissions from 2 submitters: Uncertain significance (2). Last evaluated 2025-10-25.

Allele frequency attached by ClinVar (database versions not stated): gnomAD exomes below 0.00001.
gnomAD v4.1: 3 of 1,612,162 alleles (0.00019%); highest among the groups gnomAD compares: Admixed American, 0.0017%; no homozygotes.

Submissions (2):

Labcorp Genetics (formerly Invitae), Labcorp
Classification: Uncertain significance. Last evaluated: 2025-10-25. Review status: criteria provided, single submitter. Criteria: Invitae Variant Classification Sherloc (09022015). Collection method: clinical testing. Allele origin: germline.
Comment: This sequence change replaces tyrosine, which is neutral and polar, with cysteine, which is neutral and slightly polar, at codon 1322 of the RIMS1 protein (p.Tyr1322Cys). This variant is present in population databases (no rsID available, gnomAD 0.006%). This variant has not been reported in the literature in individuals affected with RIMS1-related conditions. ClinVar contains an entry for this variant (Variation ID: 2740159). An algorithm developed to predict the effect of missense changes on protein structure and function (PolyPhen-2) suggests that this variant is likely to be disruptive. In summary, the available evidence is currently insufficient to determine the role of this variant in disease. Therefore, it has been classified as a Variant of Uncertain Significance.

Blueprint Genetics
Classification: Uncertain significance. Last evaluated: 2019-08-08. Review status: criteria provided, single submitter. Criteria: ACMG Guidelines, 2015. Collection method: clinical testing. Allele origin: germline.